The following is an entry in ClinVar:

NM_024715.4(TXNDC15):c.845G>A (p.Arg282Gln)

Gene: TXNDC15 (thioredoxin domain containing 15; plus strand). Cytogenetic location: 5q31.1.
Variant type: single nucleotide variant.
Coding change: c.845G>A on transcript NM_024715.4 (MANE Select); coding-DNA position 845, G replaced by A.
Protein change: p.Arg282Gln; replaces arginine 282 with glutamine.
Molecular consequence: missense variant.
Genome position (GRCh38, 1-based): chr5:134,896,383, G>A. VCF-style: chr5-134896383-G-A. GRCh37 (hg19) VCF-style: chr5-134232073-G-A.
Other names: c.641G>A, p.Arg214Gln (NM_001350735.2); short protein forms R214Q, R282Q.
Identifiers: ClinVar variation 4849880 (VCV004849880.1).

ClinVar aggregate classification (germline): Uncertain significance (1 of 4 stars; one submission).

Conditions:
Joubert syndrome and related disorders. Identifiers: Orphanet 140874, MedGen C5679612, MONDO:0015369.

gnomAD v4.1: 19 of 1,613,544 alleles (0.0012%); highest among the groups gnomAD compares: South Asian, 0.018%; 1 homozygote.

Submission:

Institute of Genetic Medicine, Newcastle University
Classification: Uncertain significance for Joubert syndrome and related disorders. Last evaluated: 2026-04-11. Review status: criteria provided, single submitter. Criteria: ACMG Guidelines, 2015. Collection method: research. Allele origin: germline. Inheritance: Autosomal recessive inheritance. Affected: yes. Observed: 1 variant allele.
Comment: PM3_Moderate (in trans with pathogenic c.211dup); PM2_Supporting (gnomAD v4.1.0 popmax rare). Thioredoxin-domain missense; AlphaMissense 0.746 (likely pathogenic); SpliceAI 0.21 (modest splice signal).